The following is an entry in ClinVar:

NM_000083.3(CLCN1):c.1667T>A (p.Ile556Asn)

Gene: CLCN1 (chloride voltage-gated channel 1; plus strand). Cytogenetic location: 7q34.
Variant type: single nucleotide variant.
Coding change: c.1667T>A on transcript NM_000083.3 (MANE Select); coding-DNA position 1667, T replaced by A.
Protein change: p.Ile556Asn; replaces isoleucine 556 with asparagine.
Molecular consequence: missense variant. On other transcripts: non-coding transcript variant (1).
Genome position (GRCh38, 1-based): chr7:143,342,013, T>A. VCF-style: chr7-143342013-T-A. GRCh37 (hg19) VCF-style: chr7-143039106-T-A.
Other names: short protein forms I556N.
Identifiers: ClinVar variation 21041 (VCV000021041.19), dbSNP rs80356697, ClinGen allele CA341541.

ClinVar aggregate classification (germline): Pathogenic/Likely pathogenic. Review status: criteria provided, multiple submitters, no conflicts (2 of 4 stars). 4 submissions from 4 submitters: Pathogenic (2); Likely pathogenic (2). Last evaluated 2025-12-02.

Conditions:
Congenital myotonia, autosomal dominant form (THD). Also called: Myotonia congenita autosomal dominant; THOMSEN DISEASE. Identifiers: Orphanet 614, MedGen C2936781, MONDO:0008055, OMIM 160800.
Congenital myotonia, autosomal recessive form. Also called: BECKER DISEASE; Becker Generalized Myotonia; myotonia congenita, autosomal recessive. Identifiers: Orphanet 614, MedGen C0751360, MONDO:0009715, OMIM 255700.

Allele frequency attached by ClinVar (database versions not stated): gnomAD exomes 0.00002 and 0.00001; 1000 Genomes Project 0.00020; gnomAD 0.00001; ExAC 0.00002; 1000 Genomes Project 30x 0.00016.

Submissions (4):

Labcorp Genetics (formerly Invitae), Labcorp
Classification: Pathogenic for Congenital myotonia, autosomal recessive form; Congenital myotonia, autosomal dominant form. Last evaluated: 2025-12-02. Review status: criteria provided, single submitter. Criteria: Invitae Variant Classification Sherloc (09022015). Collection method: clinical testing. Allele origin: germline.
Comment: This sequence change replaces isoleucine, which is neutral and non-polar, with asparagine, which is neutral and polar, at codon 556 of the CLCN1 protein (p.Ile556Asn). This variant is present in population databases (rs80356697, gnomAD 0.02%). This missense change has been observed in individuals with autosomal recessive myotonia (PMID: 9566422, 19882638, 31069529; internal data). It has also been observed to segregate with disease in related individuals. ClinVar contains an entry for this variant (Variation ID: 21041). Invitae Evidence Modeling of protein sequence and biophysical properties (such as structural, functional, and spatial information, amino acid conservation, physicochemical variation, residue mobility, and thermodynamic stability) indicates that this missense variant is expected to disrupt CLCN1 protein function with a positive predictive value of 95%. Experimental studies have shown that this missense change affects CLCN1 function (PMID: 9736777, 10051520). For these reasons, this variant has been classified as Pathogenic.

Revvity Omics, Revvity
Classification: Likely pathogenic. Last evaluated: 2024-07-26. Review status: criteria provided, single submitter. Criteria: ACMG Guidelines, 2015. Collection method: clinical testing. Allele origin: germline.

Kasturba Medical College, Manipal, Kasturba Medical College, Manipal, Manipal Academy of Higher Education, Manipal, India
Classification: Likely pathogenic for Congenital myotonia, autosomal recessive form. Review status: criteria provided, single submitter. Criteria: ACMG Guidelines, 2015. Collection method: clinical testing. Allele origin: germline. Inheritance: Autosomal recessive inheritance. Affected: yes. Observed: 1 homozygote.

Neuberg Centre For Genomic Medicine, NCGM
Classification: Pathogenic for Congenital myotonia, autosomal recessive form. Review status: criteria provided, single submitter. Criteria: ACMG Guidelines, 2015. Collection method: clinical testing. Allele origin: germline. Inheritance: Autosomal recessive inheritance. Affected: yes.
Comment: Experimental studies have shown that this missense change affects CLCN1 function (Kubisch C, et al.1998, Saviane C, et al.,1999)

Literature cited by the submitters: PubMed 9566422 (cited by Labcorp Genetics (formerly Invitae), Labcorp); PubMed 19882638 (cited by Labcorp Genetics (formerly Invitae), Labcorp and Kasturba Medical College, Manipal, Kasturba Medical College, Manipal, Manipal Academy of Higher Education, Manipal, India); PubMed 31069529 (cited by Labcorp Genetics (formerly Invitae), Labcorp); PubMed 9736777 (cited by Labcorp Genetics (formerly Invitae), Labcorp); PubMed 10051520 (cited by Labcorp Genetics (formerly Invitae), Labcorp).